The following is an entry in ClinVar:

ClinVar aggregate classification (germline): Pathogenic (1 of 4 stars; one submission).

Conditions:
Familial hypobetalipoproteinemia 1. Also called: Hypobetalipoproteinemia, normotriglyceridemic; Acanthocytosis with hypobetalipoproteinemia; APOB-Related Familial Hypobetalipoproteinemia. Identifiers: MedGen C4551990, MONDO:0014252, OMIM 615558.
Hypercholesterolemia, autosomal dominant, type B (FHCL2). Also called: APOLIPOPROTEIN B-100, FAMILIAL DEFECTIVE; APOLIPOPROTEIN B-100, FAMILIAL LIGAND-DEFECTIVE; HYPERCHOLESTEROLEMIA, FAMILIAL, DUE TO LIGAND-DEFECTIVE APOLIPOPROTEIN B; Hyperlipoproteinemia Type IIb; Familial hypercholesterolemia 2; APOB-Related Familial Hypercholesterolemia, Autosomal Dominant. Identifiers: MedGen C1704417, MONDO:0007751, OMIM 144010.

Submission:

Labcorp Genetics (formerly Invitae), Labcorp
Classification: Pathogenic for Familial hypobetalipoproteinemia 1; Hypercholesterolemia, autosomal dominant, type B. Last evaluated: 2019-03-05. Review status: criteria provided, single submitter. Criteria: Invitae Variant Classification Sherloc (09022015). Collection method: clinical testing. Allele origin: germline.
Comment: This sequence change creates a premature translational stop signal (p.Pro3061Serfs*13) in the APOB gene. It is expected to result in an absent or disrupted protein product. This variant is not present in population databases (ExAC no frequency). This variant has not been reported in the literature in individuals with APOB-related conditions. Loss-of-function variants in APOB are known to be pathogenic (PMID: 20032471). For these reasons, this variant has been classified as Pathogenic.

Literature cited by the submitters: PubMed 20032471.

NM_000384.3(APOB):c.9180dup (p.Pro3061fs)

Gene: APOB (apolipoprotein B; minus strand). Cytogenetic location: 2p24.1.
Variant type: Duplication.
Coding change: c.9180dup on transcript NM_000384.3 (MANE Select); coding-DNA position 9180, one base duplicated (T; older notation c.9180dupT).
Protein change: p.Pro3061fs; shifts the reading frame from proline 3061.
Molecular consequence: frameshift variant.
Genome position (GRCh38, 1-based): chr2:21,007,688, A duplicated on the plus strand (T on the coding strand, the reverse complement: APOB is on the minus strand); the first of 4 consecutive A bases (chr2:21,007,688-21,007,691); duplicating any one gives the same sequence. VCF-style (leftmost placement, unchanged base first): chr2-21007687-G-GA. GRCh37 (hg19) VCF-style: chr2-21230559-G-GA.
Other names: short protein forms P3061fs.
Identifiers: ClinVar variation 853099 (VCV000853099.10), dbSNP rs1663184094, ClinGen allele CA916082167.